The following is an entry in ClinVar:

NM_006662.3(SRCAP):c.7864C>T (p.Gln2622Ter)

Gene: SRCAP (Snf2 related CREBBP activator protein; plus strand). Cytogenetic location: 16p11.2.
Variant type: single nucleotide variant.
Coding change: c.7864C>T on transcript NM_006662.3 (MANE Select); coding-DNA position 7864, C replaced by T.
Protein change: p.Gln2622Ter; replaces glutamine 2622 with a stop codon.
Molecular consequence: nonsense.
Genome position (GRCh38, 1-based): chr16:30,737,904, C>T. VCF-style: chr16-30737904-C-T. GRCh37 (hg19) VCF-style: chr16-30749225-C-T.
Other names: short protein forms Q2622*.
Identifiers: ClinVar variation 1675184 (VCV001675184.2), dbSNP rs2151300418, ClinGen allele CA395634880.
Genomic context (GRCh38, chr16:30,737,904, plus strand): 5'-CTCACCCCTTCTGCACCCAGCCTGACCTTGGAGGCTGGCAGCATCCCCAATGGTCAAGAG[C>T]AGGAGGCACCAGATTCTGCTGAGGGGACCACCCTTACAGTGCTGCCTGAAGGTGAGGAGT-3'

ClinVar aggregate classification (germline): Pathogenic (1 of 4 stars; one submission).

Conditions:
Developmental delay, hypotonia, musculoskeletal defects, and behavioral abnormalities. Identifiers: MedGen C5562012, MONDO:0859202, OMIM 619595.
Floating-Harbor syndrome (FLHS). Also called: SRCAP-Related Floating-Harbor Syndrome; Short stature with delayed bone age, expressive language delay, a triangular face with a prominent nose and deep-set eyes; Pelletier-Leisti syndrome. Identifiers: Orphanet 2044, MedGen C0729582, MONDO:0007621, OMIM 136140.

Submission:

Centre of Medical Genetics, University Hospital Muenster
Classification: Pathogenic for Floating-Harbor syndrome; Developmental delay, hypotonia, musculoskeletal defects, and behavioral abnormalities. Last evaluated: 2020-11-06. Review status: criteria provided, single submitter. Criteria: ACMG Guidelines, 2015. Collection method: clinical testing. Allele origin: germline. Affected: yes. Observed: 1 variant allele, 1 heterozygote.
Comment: ACMG categories: PVS1,PS5,PM2